The following is an entry in ClinVar:

NM_014629.4(ARHGEF10):c.2103C>G (p.His701Gln)

Gene: ARHGEF10 (Rho guanine nucleotide exchange factor 10; plus strand). Cytogenetic location: 8p23.3.
Variant type: single nucleotide variant.
Coding change: c.2103C>G on transcript NM_014629.4 (MANE Select); coding-DNA position 2103, C replaced by G.
Protein change: p.His701Gln; replaces histidine 701 with glutamine.
Molecular consequence: missense variant.
Genome position (GRCh38, 1-based): chr8:1,909,430, C>G. VCF-style: chr8-1909430-C-G. GRCh37 (hg19) VCF-style: chr8-1857596-C-G.
Other names: c.1989C>G, p.His663Gln (NM_001308152.2, NM_001438094.1); c.2103C>G, p.His701Gln (NM_001308153.3); c.2106C>G, p.His702Gln (NM_001438091.1); c.1986C>G, p.His662Gln (NM_001438092.1, NM_001438093.1); short protein forms H662Q, H663Q, H725Q, H702Q, H701Q.
Identifiers: ClinVar variation 4742896 (VCV004742896.1).
Genomic context (GRCh38, chr8:1,909,430, plus strand): 5'-CGCCATCGAGTATGGCAGCAGCGCAGGCACGGGCGAGCACAGCAGGCACCTTGCCGTTCA[C>G]CCGCCGGAGAGCCTGGCCGTGGTTGCTAACGCGAAACCAAGTAAGTGATGCTTTCTCTCA-3'
Protein context (NP_055444.2, residues 691-711): TGEHSRHLAV[His701Gln]PPESLAVVAN

ClinVar aggregate classification (germline): Uncertain significance (1 of 4 stars; one submission).

Submission:

Labcorp Genetics (formerly Invitae), Labcorp
Classification: Uncertain significance. Last evaluated: 2025-04-18. Review status: criteria provided, single submitter. Criteria: Invitae Variant Classification Sherloc (09022015). Collection method: clinical testing. Allele origin: germline.
Comment: This sequence change replaces histidine, which is basic and polar, with glutamine, which is neutral and polar, at codon 701 of the ARHGEF10 protein (p.His701Gln). This variant is not present in population databases (gnomAD no frequency). This variant has not been reported in the literature in individuals affected with ARHGEF10-related conditions. Invitae Evidence Modeling of protein sequence and biophysical properties (such as structural, functional, and spatial information, amino acid conservation, physicochemical variation, residue mobility, and thermodynamic stability) indicates that this missense variant is not expected to disrupt ARHGEF10 protein function with a negative predictive value of 80%. In summary, the available evidence is currently insufficient to determine the role of this variant in disease. Therefore, it has been classified as a Variant of Uncertain Significance.